The following is an entry in ClinVar:

ClinVar aggregate classification (germline): Uncertain significance (1 of 4 stars; one submission).

Conditions:
Inborn genetic diseases. Identifiers: MedGen C0950123, MeSH D030342.

Submission:

Ambry Genetics
Classification: Uncertain significance for Inborn genetic diseases. Last evaluated: 2013-08-29. Review status: criteria provided, single submitter. Criteria: Ambry Autosomal Dominant and X-Linked criteria (10/2015). Collection method: clinical testing. Allele origin: germline. Observed: 1 variant allele.
Comment: There is insufficient or conflicting evidence for classification of this alteration.

NM_001985.3(ETFB):c.278dup (p.Ala94fs)

Gene: ETFB (electron transfer flavoprotein subunit beta; minus strand). Cytogenetic location: 19q13.41.
Variant type: Duplication.
Coding change: c.278dup on transcript NM_001985.3 (MANE Select); coding-DNA position 278, one base duplicated (C; older notation c.278dupC).
Protein change: p.Ala94fs; shifts the reading frame from alanine 94.
Molecular consequence: frameshift variant.
Genome position (GRCh38, 1-based): chr19:51,353,229, G duplicated on the plus strand (C on the coding strand, the reverse complement: ETFB is on the minus strand); the first of 5 consecutive G bases (chr19:51,353,229-51,353,233); duplicating any one gives the same sequence. VCF-style (leftmost placement, unchanged base first): chr19-51353228-T-TG. GRCh37 (hg19) VCF-style: chr19-51856482-T-TG.
Other names: c.551dup, p.Ala185fs (NM_001014763.1); short protein forms A185fs, A94fs.
Identifiers: ClinVar variation 225063 (VCV000225063.3), dbSNP rs869312947, ClinGen allele CA358081.